The following is an entry in ClinVar:

ClinVar aggregate classification (germline): Uncertain significance. Review status: criteria provided, single submitter (1 of 4 stars). 2 submissions from 2 submitters: Uncertain significance (1). 1 of the submissions does not count toward it. Last evaluated 2024-02-24.

Conditions:
Leber congenital amaurosis 2 (LCA2). Also called: AMAUROSIS CONGENITA OF LEBER II; Autosomal Recessive RPE65-Related Retinal Degeneration. Identifiers: Orphanet 65, MedGen C1859844, MONDO:0008765, OMIM 204100. Disease mechanism: loss of function.
Retinitis pigmentosa 20 (RP20). Identifiers: Orphanet 791, MedGen C3151086, MONDO:0013425, OMIM 613794.
Leber congenital amaurosis (LCA). Also called: Leber's amaurosis. Identifiers: Orphanet 65, MedGen C0339527, MeSH D057130, MONDO:0018998.

Allele frequency attached by ClinVar (database versions not stated): gnomAD exomes below 0.00001.

Submissions (2):

Labcorp Genetics (formerly Invitae), Labcorp
Classification: Uncertain significance for Leber congenital amaurosis 2; Retinitis pigmentosa 20. Last evaluated: 2024-02-24. Review status: criteria provided, single submitter. Criteria: Invitae Variant Classification Sherloc (09022015). Collection method: clinical testing. Allele origin: germline.
Comment: This sequence change replaces lysine, which is basic and polar, with glutamic acid, which is acidic and polar, at codon 354 of the RPE65 protein (p.Lys354Glu). This variant is not present in population databases (gnomAD no frequency). This variant has not been reported in the literature in individuals affected with RPE65-related conditions. ClinVar contains an entry for this variant (Variation ID: 1975936). Advanced modeling of protein sequence and biophysical properties (such as structural, functional, and spatial information, amino acid conservation, physicochemical variation, residue mobility, and thermodynamic stability) has been performed at Invitae for this missense variant, however the output from this modeling did not meet the statistical confidence thresholds required to predict the impact of this variant on RPE65 protein function. In summary, the available evidence is currently insufficient to determine the role of this variant in disease. Therefore, it has been classified as a Variant of Uncertain Significance.

Natera, Inc.
Classification: Uncertain significance for Leber congenital amaurosis. Last evaluated: 2025-04-23. Review status: no assertion criteria provided. Collection method: clinical testing. Allele origin: germline. Not counted in ClinVar's aggregate classification.

NM_000329.3(RPE65):c.1060A>G (p.Lys354Glu)

Gene: RPE65 (retinoid isomerohydrolase RPE65; minus strand). Cytogenetic location: 1p31.3.
Variant type: single nucleotide variant.
Coding change: c.1060A>G on transcript NM_000329.3 (MANE Select); coding-DNA position 1060, A replaced by G.
Protein change: p.Lys354Glu; replaces lysine 354 with glutamic acid.
Molecular consequence: missense variant.
Genome position (GRCh38, 1-based): chr1:68,438,255, T>C on the plus strand (A>G on the coding strand, the complement: RPE65 is on the minus strand). VCF-style: chr1-68438255-T-C. GRCh37 (hg19) VCF-style: chr1-68903938-T-C.
Other names: c.952A>G, p.Lys318Glu (NM_001406853.1); c.784A>G, p.Lys262Glu (NM_001406856.1, NM_001406857.1); c.1060A>G, p.Lys354Glu (NM_001406859.1); c.1060A>G (NM_000329.2); short protein forms K318E, K354E, K262E.
Identifiers: ClinVar variation 1975936 (VCV001975936.5), dbSNP rs2523422815, ClinGen allele CA340744230.